The following is an entry in ClinVar:

NM_130384.3(ATRIP):c.1037A>G (p.Gln346Arg)

Genes: ATRIP (ATR interacting protein; plus strand), ATRIP-TREX1 (ATRIP-TREX1 readthrough; plus strand). Cytogenetic location: 3p21.31.
Variant type: single nucleotide variant.
Coding change: c.1037A>G on transcript NM_130384.3 (MANE Select); coding-DNA position 1037, A replaced by G.
Protein change: p.Gln346Arg; replaces glutamine 346 with arginine.
Molecular consequence: missense variant. On other transcripts: non-coding transcript variant (1).
Genome position (GRCh38, 1-based): chr3:48,459,898, A>G. VCF-style: chr3-48459898-A-G. GRCh37 (hg19) VCF-style: chr3-48501297-A-G.
Other names: c.656A>G, p.Gln219Arg (NM_001271022.2); c.758A>G, p.Gln253Arg (NM_001271023.2); c.1037A>G, p.Gln346Arg (NM_032166.4); short protein forms Q219R, Q253R, Q346R.
Identifiers: ClinVar variation 4867243 (VCV004867243.1).

ClinVar aggregate classification (germline): Uncertain significance (1 of 4 stars; one submission).

Submission:

Ambry Genetics
Classification: Uncertain significance. Last evaluated: 2026-05-17. Review status: criteria provided, single submitter. Criteria: Ambry Variant Classification Scheme 2023. Collection method: clinical testing. Allele origin: germline.
Comment: The p.Q346R variant (also known as c.1037A>G), located in coding exon 7 of the ATRIP gene, results from an A to G substitution at nucleotide position 1037. The glutamine at codon 346 is replaced by arginine, an amino acid with highly similar properties. This amino acid position is conserved. In addition, this alteration is predicted to be tolerated by in silico analysis. Based on the available evidence, the clinical significance of this variant remains unclear.